The following is an entry in ClinVar:

NM_016180.5(SLC45A2):c.148G>A (p.Ala50Thr)

Gene: SLC45A2 (solute carrier family 45 member 2; minus strand). Cytogenetic location: 5p13.2.
Variant type: single nucleotide variant.
Coding change: c.148G>A on transcript NM_016180.5 (MANE Select); coding-DNA position 148, G replaced by A.
Protein change: p.Ala50Thr; replaces alanine 50 with threonine.
Molecular consequence: missense variant.
Genome position (GRCh38, 1-based): chr5:33,984,436, C>T on the plus strand (G>A on the coding strand, the complement: SLC45A2 is on the minus strand). VCF-style: chr5-33984436-C-T. GRCh37 (hg19) VCF-style: chr5-33984541-C-T.
Other names: c.148G>A, p.Ala50Thr (NM_001012509.4, NM_001297417.4); short protein forms A50T.
Identifiers: ClinVar variation 3896128 (VCV003896128.2).

ClinVar aggregate classification (germline): Uncertain significance (1 of 4 stars; one submission).

gnomAD v4.1: 7 of 1,613,662 alleles (0.00043%); highest among the groups gnomAD compares: African/African-American, 0.004%; no homozygotes.

Submission:

Women's Health and Genetics/Laboratory Corporation of America, LabCorp
Classification: Uncertain significance. Last evaluated: 2025-04-22. Review status: criteria provided, single submitter. Criteria: LabCorp Variant Classification Summary - May 2015. Collection method: clinical testing. Allele origin: germline.
Comment: Variant summary: SLC45A2 c.148G>A (p.Ala50Thr) results in a non-conservative amino acid change in the encoded protein sequence. Five of five in-silico tools predict a damaging effect of the variant on protein function. The variant allele was found at a frequency of 8e-06 in 249846 control chromosomes. The available data on variant occurrences in the general population are insufficient to allow any conclusion about variant significance. To our knowledge, no occurrence of c.148G>A in individuals affected with Oculocutaneous albinism type 4 and no experimental evidence demonstrating its impact on protein function have been reported. No submitters have cited clinical-significance assessments for this variant to ClinVar. Based on the evidence outlined above, the variant was classified as uncertain significance.